The following is an entry in ClinVar:

NM_000455.5(STK11):c.549G>C (p.Leu183=)

Gene: STK11 (serine/threonine kinase 11; plus strand). Cytogenetic location: 19p13.3.
Variant type: single nucleotide variant.
Coding change: c.549G>C on transcript NM_000455.5 (MANE Select); coding-DNA position 549, G replaced by C.
Protein change: p.Leu183=; no amino-acid change (leucine 183 retained).
Molecular consequence: synonymous variant. On other transcripts: non-coding transcript variant (1).
Genome position (GRCh38, 1-based): chr19:1,220,457, G>C. VCF-style: chr19-1220457-G-C. GRCh37 (hg19) VCF-style: chr19-1220456-G-C.
Other names: c.549G>C, p.Leu183= (NM_001407255.1).
Identifiers: ClinVar variation 3802397 (VCV003802397.2).

ClinVar aggregate classification (germline): Benign/Likely benign. Review status: criteria provided, multiple submitters, no conflicts (2 of 4 stars). 2 submissions from 2 submitters: Benign (1); Likely benign (1). Last evaluated 2025-03-26.

Conditions:
Peutz-Jeghers syndrome (PJS). Also called: POLYPOSIS, HAMARTOMATOUS INTESTINAL; POLYPS-AND-SPOTS SYNDROME; Peutz-Jeghers polyposis; Periorificial lentiginosis syndrome. Identifiers: Orphanet 2869, MedGen C0031269, MeSH D010580, MONDO:0008280, OMIM 175200.
Hereditary cancer-predisposing syndrome. Also called: Hereditary Cancer Syndrome; Hereditary neoplastic syndrome; Tumor predisposition; Neoplastic Syndromes, Hereditary. Identifiers: Orphanet 140162, MedGen C0027672, MeSH D009386, MONDO:0015356.

gnomAD v4.1: 1 of 1,607,164 alleles (0.000062%); no homozygotes.

Submissions (2):

Myriad Genetics, Inc.
Classification: Benign for Peutz-Jeghers syndrome. Last evaluated: 2025-03-26. Review status: criteria provided, single submitter. Criteria: Myriad Autosomal Dominant, Autosomal Recessive and X-Linked Classification Criteria (2023). Collection method: clinical testing. Allele origin: unknown.
Comment: This variant is considered benign. This variant is a silent/synonymous amino acid change and it is not expected to impact splicing.

Ambry Genetics
Classification: Likely benign for Hereditary cancer-predisposing syndrome. Last evaluated: 2025-01-31. Review status: criteria provided, single submitter. Criteria: Ambry Variant Classification Scheme 2023. Collection method: clinical testing. Allele origin: germline.